The following is an entry in ClinVar:

NM_000313.4(PROS1):c.965+5G>A

Gene: PROS1 (protein S; minus strand). Cytogenetic location: 3q11.1.
Variant type: single nucleotide variant.
Coding change: c.965+5G>A on transcript NM_000313.4 (MANE Select); 5 bases into the intron after coding-DNA position 965, G replaced by A.
Molecular consequence: intron variant.
Genome position (GRCh38, 1-based): chr3:93,896,571, C>T on the plus strand (G>A on the coding strand, the complement: PROS1 is on the minus strand). VCF-style: chr3-93896571-C-T. GRCh37 (hg19) VCF-style: chr3-93615415-C-T.
Other names: p.?; c.1061+5G>A (NM_001314077.2); c.965+5G>A (NM_000313.3).
Identifiers: ClinVar variation 1903645 (VCV001903645.6), dbSNP rs1559932716, ClinGen allele CA2577828313.

ClinVar aggregate classification (germline): Uncertain significance. Review status: criteria provided, multiple submitters, no conflicts (2 of 4 stars). 2 submissions from 2 submitters: Uncertain significance (2). Last evaluated 2022-10-05.

Conditions:
Thrombophilia due to protein S deficiency, autosomal recessive (THPH6). Identifiers: Orphanet 743, MedGen C3281092, MONDO:0013791, OMIM 614514. Disease mechanism: loss of function.

Submissions (2):

Mayo Clinic Laboratories, Mayo Clinic
Classification: Uncertain significance. Last evaluated: 2022-10-05. Review status: criteria provided, single submitter. Criteria: ACMG Guidelines, 2015. Collection method: clinical testing. Allele origin: germline. Observed: 1 variant allele.
Comment: PM2

Labcorp Genetics (formerly Invitae), Labcorp
Classification: Uncertain significance for Thrombophilia due to protein S deficiency, autosomal recessive. Last evaluated: 2022-09-26. Review status: criteria provided, single submitter. Criteria: Invitae Variant Classification Sherloc (09022015). Collection method: clinical testing. Allele origin: germline.
Comment: In summary, the available evidence is currently insufficient to determine the role of this variant in disease. Therefore, it has been classified as a Variant of Uncertain Significance. This sequence change falls in intron 9 of the PROS1 gene. It does not directly change the encoded amino acid sequence of the PROS1 protein. It affects a nucleotide within the consensus splice site. This variant is not present in population databases (gnomAD no frequency). This variant has not been reported in the literature in individuals affected with PROS1-related conditions. Variants that disrupt the consensus splice site are a relatively common cause of aberrant splicing (PMID: 17576681, 9536098). Algorithms developed to predict the effect of sequence changes on RNA splicing suggest that this variant may disrupt the consensus splice site.

Literature cited by the submitters: PubMed 17576681 (cited by Labcorp Genetics (formerly Invitae), Labcorp); PubMed 9536098 (cited by Labcorp Genetics (formerly Invitae), Labcorp).